The following is an entry in ClinVar:

NM_005861.4(STUB1):c.283A>G (p.Lys95Glu)

Gene: STUB1 (STIP1 homology and U-box containing protein 1; plus strand). Cytogenetic location: 16p13.3.
Variant type: single nucleotide variant.
Coding change: c.283A>G on transcript NM_005861.4 (MANE Select); coding-DNA position 283, A replaced by G.
Protein change: p.Lys95Glu; replaces lysine 95 with glutamic acid.
Molecular consequence: missense variant.
Genome position (GRCh38, 1-based): chr16:681,275, A>G. VCF-style: chr16-681275-A-G. GRCh37 (hg19) VCF-style: chr16-731275-A-G.
Other names: c.67A>G, p.Lys23Glu (NM_001293197.2); short protein forms K23E, K95E.
Identifiers: ClinVar variation 4278768 (VCV004278768.2).

ClinVar aggregate classification (germline): Uncertain significance. Review status: criteria provided, multiple submitters, no conflicts (2 of 4 stars). 2 submissions from 2 submitters: Uncertain significance (2). Last evaluated 2025-10-06.

Conditions:
Spinocerebellar ataxia 48. Identifiers: Orphanet 631103, MedGen C4748158, MONDO:0032526, OMIM 618093.

Submissions (2):

MVZ Medizinische Genetik Mainz
Classification: Uncertain significance for Spinocerebellar ataxia 48. Last evaluated: 2025-10-06. Review status: criteria provided, single submitter. Criteria: UK Practice Guidelines For Variant Classification V4 01 2020. Collection method: clinical testing. Allele origin: germline. Inheritance: Autosomal dominant inheritance. Affected: yes. Observed: 1 variant allele.
Comment: ACMG Criteria: PM2_SUP,PP3

GeneDx
Classification: Uncertain significance. Last evaluated: 2025-03-28. Review status: criteria provided, single submitter. Criteria: GeneDx Variant Classification Process June 2021. Collection method: clinical testing. Allele origin: germline. Affected: yes.
Comment: Not observed at significant frequency in large population cohorts (gnomAD); In silico analysis supports that this missense variant has a deleterious effect on protein structure/function; Has not been previously published as pathogenic or benign to our knowledge